The following is an entry in ClinVar:

NM_000388.4(CASR):c.*1015A>G

Gene: CASR (calcium sensing receptor; plus strand). Cytogenetic location: 3q21.1.
Variant type: single nucleotide variant.
Coding change: c.*1015A>G on transcript NM_000388.4 (MANE Select); 1015 bases downstream of the stop codon, A replaced by G.
Molecular consequence: 3 prime UTR variant.
Genome position (GRCh38, 1-based): chr3:122,286,206, A>G. VCF-style: chr3-122286206-A-G. GRCh37 (hg19) VCF-style: chr3-122005053-A-G.
Other names: c.*1015A>G (NM_001178065.2).
Identifiers: ClinVar variation 342815 (VCV000342815.6), dbSNP rs9740, ClinGen allele CA10614617.

ClinVar aggregate classification (germline): Benign. Review status: criteria provided, multiple submitters, no conflicts (2 of 4 stars). 5 submissions from 2 submitters: Benign (5). Last evaluated 2018-01-13.

Conditions:
Neonatal severe primary hyperparathyroidism. Identifiers: Orphanet 417, MedGen C1832615, MONDO:0009397, OMIM 239200.
Familial hypoparathyroidism. Also called: Familial isolated hypoparathyroidism. Identifiers: Orphanet 2238, MedGen C1832648, MONDO:0016390.
Autosomal dominant hypocalcemia 1 (HYPOC1). Also called: HYPOCALCEMIA, FAMILIAL. Identifiers: MedGen C3715128, MONDO:0011013, OMIM 601198.
Familial hypocalciuric hypercalcemia 1. Also called: Hypercalcemia, familial benign type 1. Identifiers: Orphanet 405, Orphanet 93372, MedGen C0342637, MONDO:0007791, OMIM 145980.

Allele frequency attached by ClinVar (database versions not stated): 1000 Genomes Project 0.18151; 1000 Genomes Project 30x 0.18551; gnomAD exomes 0.23913; TOPMed 0.25157; gnomAD 0.26851 and 0.27327.
gnomAD v4.1: 40,957 of 152,126 alleles (27%); highest among the groups gnomAD compares: Non-Finnish European, 35%; 6,287 homozygotes.

Submissions (5):

Illumina Laboratory Services, Illumina
Classification: Benign for Neonatal severe primary hyperparathyroidism. Last evaluated: 2018-01-13. Review status: criteria provided, single submitter. Criteria: ICSL Variant Classification Criteria 13 December 2019. Collection method: clinical testing. Allele origin: germline.
Comment: This variant was observed in the ICSL laboratory as part of a predisposition screen in an ostensibly healthy population. It had not been previously curated by ICSL or reported in the Human Gene Mutation Database (HGMD: prior to June 1st, 2018), and was therefore a candidate for classification through an automated scoring system. Utilizing variant allele frequency, disease prevalence and penetrance estimates, and inheritance mode, an automated score was calculated to assess if this variant is too frequent to cause the disease. Based on the score and internal cut-off values, a variant classified as benign is not then subjected to further curation. The score for this variant resulted in a classification of benign for this disease.

Illumina Laboratory Services, Illumina
Classification: Benign for Autosomal dominant hypocalcemia 1. Last evaluated: 2018-01-13. Review status: criteria provided, single submitter. Criteria: ICSL Variant Classification Criteria 13 December 2019. Collection method: clinical testing. Allele origin: germline.
Comment: the same text as in the submission from Illumina Laboratory Services, Illumina above.

Illumina Laboratory Services, Illumina
Classification: Benign for Familial isolated hypoparathyroidism. Last evaluated: 2018-01-13. Review status: criteria provided, single submitter. Criteria: ICSL Variant Classification Criteria 13 December 2019. Collection method: clinical testing. Allele origin: germline.
Comment: the same text as in the submission from Illumina Laboratory Services, Illumina above.

Illumina Laboratory Services, Illumina
Classification: Benign for Familial hypocalciuric hypercalcemia 1. Last evaluated: 2018-01-13. Review status: criteria provided, single submitter. Criteria: ICSL Variant Classification Criteria 13 December 2019. Collection method: clinical testing. Allele origin: germline.
Comment: the same text as in the submission from Illumina Laboratory Services, Illumina above.

Breakthrough Genomics
Classification: Benign. Review status: criteria provided, single submitter. Criteria: ACMG Guidelines, 2015. Collection method: not provided. Allele origin: germline. Inheritance: Autosomal recessive inheritance. Affected: yes.